The following is an entry in ClinVar:

ClinVar aggregate classification (germline): Uncertain significance (1 of 4 stars; one submission).

Submission:

Labcorp Genetics (formerly Invitae), Labcorp
Classification: Uncertain significance. Last evaluated: 2022-08-04. Review status: criteria provided, single submitter. Criteria: Invitae Variant Classification Sherloc (09022015). Collection method: clinical testing. Allele origin: germline.
Comment: In summary, the available evidence is currently insufficient to determine the role of this variant in disease. Therefore, it has been classified as a Variant of Uncertain Significance. Algorithms developed to predict the effect of missense changes on protein structure and function (SIFT, PolyPhen-2, Align-GVGD) all suggest that this variant is likely to be tolerated. This variant has not been reported in the literature in individuals affected with VPS13C-related conditions. This variant is not present in population databases (gnomAD no frequency). This sequence change replaces phenylalanine, which is neutral and non-polar, with leucine, which is neutral and non-polar, at codon 1712 of the VPS13C protein (p.Phe1712Leu).

NM_020821.3(VPS13C):c.5134T>C (p.Phe1712Leu)

Gene: VPS13C (vacuolar protein sorting 13 homolog C; minus strand). Cytogenetic location: 15q22.2.
Variant type: single nucleotide variant.
Coding change: c.5134T>C on transcript NM_020821.3 (MANE Select); coding-DNA position 5134, T replaced by C.
Protein change: p.Phe1712Leu; replaces phenylalanine 1712 with leucine.
Molecular consequence: missense variant.
Genome position (GRCh38, 1-based): chr15:61,945,729, A>G on the plus strand (T>C on the coding strand, the complement: VPS13C is on the minus strand). VCF-style: chr15-61945729-A-G. GRCh37 (hg19) VCF-style: chr15-62237928-A-G.
Other names: c.5134T>C, p.Phe1712Leu (NM_001018088.3); c.5005T>C, p.Phe1669Leu (NM_017684.5, NM_018080.4); short protein forms F1669L, F1712L.
Identifiers: ClinVar variation 1963440 (VCV001963440.5), dbSNP rs2547939532, ClinGen allele CA392691613.